The following is an entry in ClinVar:

NM_002439.5(MSH3):c.1708_1709insA (p.Ser570fs)

Gene: MSH3 (mutS homolog 3; plus strand). Cytogenetic location: 5q14.1.
Variant type: Insertion.
Coding change: c.1708_1709insA on transcript NM_002439.5 (MANE Select); coding-DNA positions 1708 to 1709, A inserted.
Protein change: p.Ser570fs; shifts the reading frame from serine 570.
Molecular consequence: frameshift variant.
Genome position: GRCh38 VCF-style: chr5-80744560-T-TA. GRCh37 (hg19) VCF-style: chr5-80040379-T-TA.
Other names: short protein forms S570fs.
Identifiers: ClinVar variation 4813025 (VCV004813025.1).

ClinVar aggregate classification (germline): Pathogenic (1 of 4 stars; one submission).

Conditions:
Familial adenomatous polyposis 4 (FAP4). Also called: MSH3-related attenuated familial adenomatous polyposis. Identifiers: Orphanet 480536, MedGen C4310719, MONDO:0044300, OMIM 617100.

Submission:

Myriad Genetics, Inc.
Classification: Pathogenic for Familial adenomatous polyposis 4. Last evaluated: 2025-12-17. Review status: criteria provided, single submitter. Criteria: Myriad Autosomal Dominant, Autosomal Recessive and X-Linked Classification Criteria (2023). Collection method: clinical testing. Allele origin: unknown.
Comment: This variant is considered pathogenic. This variant creates a frameshift predicted to result in premature protein truncation.